The following is an entry in ClinVar:

NM_020949.3(SLC7A14):c.2050C>T (p.Arg684Ter)

Genes: SLC7A14 (solute carrier family 7 member 14; minus strand), SLC7A14-AS1 (SLC7A14 antisense RNA 1; plus strand). Cytogenetic location: 3q26.2.
Variant type: single nucleotide variant.
Coding change: c.2050C>T on transcript NM_020949.3 (MANE Select); coding-DNA position 2050, C replaced by T.
Protein change: p.Arg684Ter; replaces arginine 684 with a stop codon.
Molecular consequence: nonsense. On other transcripts: non-coding transcript variant (3).
Genome position (GRCh38, 1-based): chr3:170,467,321, G>A on the plus strand (C>T on the coding strand, the complement: SLC7A14 is on the minus strand). VCF-style: chr3-170467321-G-A. GRCh37 (hg19) VCF-style: chr3-170185109-G-A.
Other names: short protein forms R684*.
Identifiers: ClinVar variation 1938664 (VCV001938664.6), dbSNP rs768093351, ClinGen allele CA2701519.
Genomic context (GRCh38, chr3:170,467,321, plus strand): 5'-CTGAGAAGGGGTCATCCACGTCGTAGCGTTGGTACGTGCTTTGGTGCAGGGCCTCTTCTC[G>A]AGCGCTGATTTCCAGGGTGCTGTTCCAGATGCCATATCCAAAATAAATGAGCAGACCTGT-3'

ClinVar aggregate classification (germline): Uncertain significance. Review status: criteria provided, multiple submitters, no conflicts (2 of 4 stars). 2 submissions from 2 submitters: Uncertain significance (2). Last evaluated 2024-10-29.

Allele frequency attached by ClinVar (database versions not stated): ExAC 0.00001.
gnomAD v4.1: 13 of 1,613,322 alleles (0.00081%); highest among the groups gnomAD compares: Middle Eastern, 0.017%; no homozygotes.

Submissions (2):

Labcorp Genetics (formerly Invitae), Labcorp
Classification: Uncertain significance. Last evaluated: 2024-10-29. Review status: criteria provided, single submitter. Criteria: Invitae Variant Classification Sherloc (09022015). Collection method: clinical testing. Allele origin: germline.
Comment: This sequence change creates a premature translational stop signal (p.Arg684*) in the SLC7A14 gene. While this is not anticipated to result in nonsense mediated decay, it is expected to disrupt the last 88 amino acid(s) of the SLC7A14 protein. This variant is present in population databases (rs768093351, gnomAD 0.0009%). This variant has not been reported in the literature in individuals affected with SLC7A14-related conditions. ClinVar contains an entry for this variant (Variation ID: 1938664). Experimental studies and prediction algorithms are not available or were not evaluated, and the functional significance of this variant is currently unknown. In summary, the available evidence is currently insufficient to determine the role of this variant in disease. Therefore, it has been classified as a Variant of Uncertain Significance.

Blueprint Genetics
Classification: Uncertain significance. Last evaluated: 2020-12-08. Review status: criteria provided, single submitter. Criteria: ACMG Guidelines, 2015. Collection method: clinical testing. Allele origin: germline.